The following is an entry in ClinVar:

NM_001367943.1(TCF7L2):c.606T>C (p.Pro202=)

Gene: TCF7L2 (transcription factor 7 like 2; plus strand). Cytogenetic location: 10q25.3.
Variant type: single nucleotide variant.
Coding change: c.606T>C on transcript NM_001367943.1 (MANE Select); coding-DNA position 606, T replaced by C.
Protein change: p.Pro202=; no amino-acid change (proline 202 retained).
Molecular consequence: synonymous variant.
Genome position (GRCh38, 1-based): chr10:113,141,237, T>C. VCF-style: chr10-113141237-T-C. GRCh37 (hg19) VCF-style: chr10-114900996-T-C.
Other names: c.606T>C, p.Pro202= (NM_001146274.2, NM_001198531.2, NM_001363501.2); c.678T>C, p.Pro226= (NM_001146283.2); c.537T>C, p.Pro179= (NM_001146284.2, NM_001146285.2, NM_001146286.2 and 6 more transcripts); c.435T>C, p.Pro145= (NM_001198530.2); c.177T>C, p.Pro59= (NM_001349870.2); c.57T>C, p.Pro19= (NM_001349871.1).
Identifiers: ClinVar variation 4534010 (VCV004534010.6).

ClinVar aggregate classification (germline): Likely benign (1 of 4 stars; one submission).

gnomAD v4.1: 16 of 1,613,988 alleles (0.00099%); highest among the groups gnomAD compares: Middle Eastern, 0.066%; no homozygotes.

Submission:

CeGaT Center for Human Genetics Tuebingen
Classification: Likely benign. Last evaluated: 2025-11-01. Review status: criteria provided, single submitter. Criteria: CeGaT Center For Human Genetics Tuebingen Variant Classification Criteria Version 2. Collection method: clinical testing. Allele origin: germline. Affected: yes. Observed: 1 variant allele.
Comment: TCF7L2: BP4, BP7